The following is an entry in ClinVar:

NM_006206.6(PDGFRA):c.1352A>C (p.Lys451Thr)

Gene: PDGFRA (platelet derived growth factor receptor alpha; plus strand). Cytogenetic location: 4q12.
Variant type: single nucleotide variant.
Coding change: c.1352A>C on transcript NM_006206.6 (MANE Select); coding-DNA position 1352, A replaced by C.
Protein change: p.Lys451Thr; replaces lysine 451 with threonine.
Molecular consequence: missense variant.
Genome position (GRCh38, 1-based): chr4:54,272,508, A>C. VCF-style: chr4-54272508-A-C. GRCh37 (hg19) VCF-style: chr4-55138675-A-C.
Other names: c.1352A>C (NM_006206.5); c.1352A>C, p.Lys451Thr (NM_001347827.2, NM_001347829.2); c.1427A>C, p.Lys476Thr (NM_001347828.2); c.1391A>C, p.Lys464Thr (NM_001347830.2); short protein forms K476T, K451T, K464T.
Identifiers: ClinVar variation 653134 (VCV000653134.13), dbSNP rs1178568199, ClinGen allele CA356892371.

ClinVar aggregate classification (germline): Uncertain significance. Review status: criteria provided, multiple submitters, no conflicts (2 of 4 stars). 3 submissions from 3 submitters: Uncertain significance (2). 1 of the submissions does not count toward it. Last evaluated 2026-01-31.

Conditions:
Gastrointestinal stromal tumor. Also called: Gastrointestinal stromal tumor, somatic; Gastrointestinal stroma tumor. Identifiers: Orphanet 44890, MedGen C0238198, MeSH D046152, MONDO:0011719, OMIM 606764, HP:0100723.
PDGFRA-related disorder. Also called: PDGFRA-related condition.
Hereditary cancer-predisposing syndrome. Also called: Neoplastic Syndromes, Hereditary; Tumor predisposition; Hereditary Cancer Syndrome; Hereditary neoplastic syndrome. Identifiers: Orphanet 140162, MedGen C0027672, MeSH D009386, MONDO:0015356.

Allele frequency attached by ClinVar (database versions not stated): TOPMed below 0.00001; gnomAD 0.00001; gnomAD exomes 0.00002.
gnomAD v4.1: 14 of 1,613,876 alleles (0.00087%); highest among the groups gnomAD compares: Non-Finnish European, 0.0012%; no homozygotes.

Submissions (3):

Labcorp Genetics (formerly Invitae), Labcorp
Classification: Uncertain significance for Gastrointestinal stromal tumor. Last evaluated: 2026-01-31. Review status: criteria provided, single submitter. Criteria: Invitae Variant Classification Sherloc (09022015). Collection method: clinical testing. Allele origin: germline.
Comment: This sequence change replaces lysine, which is basic and polar, with threonine, which is neutral and polar, at codon 451 of the PDGFRA protein (p.Lys451Thr). This variant is not present in population databases (gnomAD no frequency). This variant has not been reported in the literature in individuals affected with PDGFRA-related conditions. ClinVar contains an entry for this variant (Variation ID: 653134). Invitae Evidence Modeling of protein sequence and biophysical properties (such as structural, functional, and spatial information, amino acid conservation, physicochemical variation, residue mobility, and thermodynamic stability) indicates that this missense variant is not expected to disrupt PDGFRA protein function with a negative predictive value of 80%. In summary, the available evidence is currently insufficient to determine the role of this variant in disease. Therefore, it has been classified as a Variant of Uncertain Significance.

Ambry Genetics
Classification: Uncertain significance for Hereditary cancer-predisposing syndrome. Last evaluated: 2025-11-22. Review status: criteria provided, single submitter. Criteria: Ambry Variant Classification Scheme 2023. Collection method: clinical testing. Allele origin: germline.
Comment: The p.K451T variant (also known as c.1352A>C), located in coding exon 8 of the PDGFRA gene, results from an A to C substitution at nucleotide position 1352. The lysine at codon 451 is replaced by threonine, an amino acid with similar properties. This amino acid position is well conserved in available vertebrate species. In addition, this alteration is predicted to be tolerated by in silico analysis. Since supporting evidence is limited at this time, the clinical significance of this alteration remains unclear.

PreventionGenetics, part of Exact Sciences
Classification: Uncertain significance for PDGFRA-related condition. Last evaluated: 2024-07-09. Review status: no assertion criteria provided. Collection method: clinical testing. Allele origin: germline. Not counted in ClinVar's aggregate classification.
Comment: The PDGFRA c.1352A>C variant is predicted to result in the amino acid substitution p.Lys451Thr. To our knowledge, this variant has not been reported in the literature or in a large population database, indicating this variant is rare. It is interpreted as uncertain significance in ClinVar. At this time, the clinical significance of this variant is uncertain due to the absence of conclusive functional and genetic evidence.